The following is an entry in ClinVar:

ClinVar aggregate classification (germline): Uncertain significance (1 of 4 stars; one submission).

Conditions:
Chédiak-Higashi syndrome (CHS). Also called: Chediak-Higashi Syndrome. Identifiers: Orphanet 167, MedGen C0007965, MONDO:0008963, OMIM 214500.

Allele frequency attached by ClinVar (database versions not stated): gnomAD exomes below 0.00001.
gnomAD v4.1: 2 of 1,613,886 alleles (0.00012%); highest among the groups gnomAD compares: African/African-American, 0.0013%; no homozygotes.

Submission:

Labcorp Genetics (formerly Invitae), Labcorp
Classification: Uncertain significance for Chédiak-Higashi syndrome. Last evaluated: 2022-09-22. Review status: criteria provided, single submitter. Criteria: Invitae Variant Classification Sherloc (09022015). Collection method: clinical testing. Allele origin: germline.
Comment: ClinVar contains an entry for this variant (Variation ID: 1478889). In summary, the available evidence is currently insufficient to determine the role of this variant in disease. Therefore, it has been classified as a Variant of Uncertain Significance. Algorithms developed to predict the effect of missense changes on protein structure and function (SIFT, PolyPhen-2, Align-GVGD) all suggest that this variant is likely to be tolerated. This variant has not been reported in the literature in individuals affected with LYST-related conditions. This variant is not present in population databases (gnomAD no frequency). This sequence change replaces serine, which is neutral and polar, with proline, which is neutral and non-polar, at codon 2612 of the LYST protein (p.Ser2612Pro).

NM_000081.4(LYST):c.7834T>C (p.Ser2612Pro)

Gene: LYST (lysosomal trafficking regulator; minus strand). Cytogenetic location: 1q42.3.
Variant type: single nucleotide variant.
Coding change: c.7834T>C on transcript NM_000081.4 (MANE Select); coding-DNA position 7834, T replaced by C.
Protein change: p.Ser2612Pro; replaces serine 2612 with proline.
Molecular consequence: missense variant.
Genome position (GRCh38, 1-based): chr1:235,746,474, A>G on the plus strand (T>C on the coding strand, the complement: LYST is on the minus strand). VCF-style: chr1-235746474-A-G. GRCh37 (hg19) VCF-style: chr1-235909774-A-G.
Other names: c.7834T>C, p.Ser2612Pro (NM_001301365.1); short protein forms S2612P.
Identifiers: ClinVar variation 1478889 (VCV001478889.6), dbSNP rs370422240, ClinGen allele CA39607898.